The following is an entry in ClinVar:

ClinVar aggregate classification (germline): Uncertain significance (1 of 4 stars; one submission).

gnomAD v4.1: 6 of 1,611,526 alleles (0.00037%); highest among the groups gnomAD compares: South Asian, 0.0033%; no homozygotes.

Submission:

Labcorp Genetics (formerly Invitae), Labcorp
Classification: Uncertain significance. Last evaluated: 2025-05-13. Review status: criteria provided, single submitter. Criteria: Invitae Variant Classification Sherloc (09022015). Collection method: clinical testing. Allele origin: germline.
Comment: This sequence change replaces glycine, which is neutral and non-polar, with arginine, which is basic and polar, at codon 29 of the TNFRSF6B protein (p.Gly29Arg). This variant is present in population databases (rs61760055, gnomAD 0.003%). This variant has not been reported in the literature in individuals affected with TNFRSF6B-related conditions. Experimental studies and prediction algorithms are not available or were not evaluated, and the functional significance of this variant is currently unknown. In summary, the available evidence is currently insufficient to determine the role of this variant in disease. Therefore, it has been classified as a Variant of Uncertain Significance.

NM_003823.4(TNFRSF6B):c.85G>C (p.Gly29Arg)

Genes: RTEL1-TNFRSF6B (RTEL1-TNFRSF6B readthrough (NMD candidate); plus strand), TNFRSF6B (TNF receptor superfamily member 6b; plus strand). Cytogenetic location: 20q13.33.
Variant type: single nucleotide variant.
Coding change: c.85G>C on transcript NM_003823.4 (MANE Select); coding-DNA position 85, G replaced by C.
Protein change: p.Gly29Arg; replaces glycine 29 with arginine.
Molecular consequence: missense variant. On other transcripts: non-coding transcript variant (1).
Genome position (GRCh38, 1-based): chr20:63,696,852, G>C. VCF-style: chr20-63696852-G-C. GRCh37 (hg19) VCF-style: chr20-62328205-G-C.
Other names: short protein forms G29R.
Identifiers: ClinVar variation 4767900 (VCV004767900.1).